The following is an entry in ClinVar:

ClinVar aggregate classification (germline): Uncertain significance (1 of 4 stars; one submission).

gnomAD v4.1: 3 of 1,606,454 alleles (0.00019%); highest among the groups gnomAD compares: African/African-American, 0.004%; no homozygotes.

Submission:

Labcorp Genetics (formerly Invitae), Labcorp
Classification: Uncertain significance. Last evaluated: 2024-10-10. Review status: criteria provided, single submitter. Criteria: Invitae Variant Classification Sherloc (09022015). Collection method: clinical testing. Allele origin: germline.
Comment: This sequence change replaces proline, which is neutral and non-polar, with serine, which is neutral and polar, at codon 525 of the POC5 protein (p.Pro525Ser). This variant is present in population databases (rs372638248, gnomAD 0.008%). This variant has not been reported in the literature in individuals affected with POC5-related conditions. An algorithm developed to predict the effect of missense changes on protein structure and function (PolyPhen-2) suggests that this variant is likely to be disruptive. In summary, the available evidence is currently insufficient to determine the role of this variant in disease. Therefore, it has been classified as a Variant of Uncertain Significance.

NM_001099271.2(POC5):c.1573C>T (p.Pro525Ser)

Gene: POC5 (POC5 centriolar protein; minus strand). Cytogenetic location: 5q13.3.
Variant type: single nucleotide variant.
Coding change: c.1573C>T on transcript NM_001099271.2 (MANE Select); coding-DNA position 1573, C replaced by T.
Protein change: p.Pro525Ser; replaces proline 525 with serine.
Molecular consequence: missense variant.
Genome position (GRCh38, 1-based): chr5:75,677,785, G>A on the plus strand (C>T on the coding strand, the complement: POC5 is on the minus strand). VCF-style: chr5-75677785-G-A. GRCh37 (hg19) VCF-style: chr5-74973610-G-A.
Other names: c.1498C>T, p.Pro500Ser (NM_152408.3); short protein forms P500S, P525S.
Identifiers: ClinVar variation 3608152 (VCV003608152.2).